The following is an entry in ClinVar:

ClinVar aggregate classification (germline): Benign/Likely benign. Review status: criteria provided, multiple submitters, no conflicts (2 of 4 stars). 3 submissions from 3 submitters: Benign (1); Likely benign (1). 1 of the submissions does not count toward it. Last evaluated 2026-01-24.

Conditions:
GRIP1-related disorder. Also called: GRIP1-related condition.

Allele frequency attached by ClinVar (database versions not stated): TOPMed 0.00006; ESP Exome Variant Server 0.00008; gnomAD 0.00013; gnomAD exomes 0.00028; 1000 Genomes Project 30x 0.00031; 1000 Genomes Project 0.00040; ExAC 0.00069.
gnomAD v4.1: 418 of 1,614,040 alleles (0.026%); highest among the groups gnomAD compares: South Asian, 0.43%; 4 homozygotes.

Submissions (3):

Labcorp Genetics (formerly Invitae), Labcorp
Classification: Benign. Last evaluated: 2026-01-24. Review status: criteria provided, single submitter. Criteria: Invitae Variant Classification Sherloc (09022015). Collection method: clinical testing. Allele origin: germline.

Blueprint Genetics
Classification: Likely benign. Last evaluated: 2023-07-10. Review status: criteria provided, single submitter. Criteria: ACMG Guidelines, 2015. Collection method: clinical testing. Allele origin: germline.

PreventionGenetics, part of Exact Sciences
Classification: Likely benign for GRIP1-related condition. Last evaluated: 2021-09-01. Review status: no assertion criteria provided. Collection method: clinical testing. Allele origin: germline. Not counted in ClinVar's aggregate classification.
Comment: This variant is classified as likely benign based on ACMG/AMP sequence variant interpretation guidelines (Richards et al. 2015 PMID: 25741868, with internal and published modifications).

NM_001366722.1(GRIP1):c.273-9A>G

Gene: GRIP1 (glutamate receptor interacting protein 1; minus strand). Cytogenetic location: 12q14.3.
Variant type: single nucleotide variant.
Coding change: c.273-9A>G on transcript NM_001366722.1 (MANE Select); 9 bases into the intron before coding-DNA position 273, A replaced by G.
Molecular consequence: intron variant.
Genome position (GRCh38, 1-based): chr12:66,539,232, T>C on the plus strand (A>G on the coding strand, the complement: GRIP1 is on the minus strand). VCF-style: chr12-66539232-T-C. GRCh37 (hg19) VCF-style: chr12-66933012-T-C.
Other names: c.273-9A>G (NM_021150.3, NM_001178074.2, NM_021150.4 and 1 more transcripts); c.276-9A>G (NM_001379351.1, NM_001379349.1); c.351-9A>G (NM_001379348.1, NM_001366723.1, NM_001379347.1 and 2 more transcripts).
Identifiers: ClinVar variation 2913442 (VCV002913442.6), dbSNP rs374499689, ClinGen allele CA6674692.